The following is an entry in ClinVar:

ClinVar aggregate classification (germline): Likely benign (1 of 4 stars; one submission).

Conditions:
Catecholaminergic polymorphic ventricular tachycardia (CVPT). Also called: Catecholamine-induced polymorphic ventricular tachycardia. Identifiers: Orphanet 3286, MedGen C5574922, MONDO:0017990.

Submission:

All of Us Research Program, National Institutes of Health
Classification: Likely benign for Catecholaminergic polymorphic ventricular tachycardia. Last evaluated: 2023-12-13. Review status: criteria provided, single submitter. Criteria: ACMG Guidelines, 2015. Collection method: clinical testing. Allele origin: germline. Inheritance: Autosomal dominant inheritance. Observed: 1 variant allele, 1 heterozygote.
Comment: This study involves interpretation of variants in research participants for the purpose of population health screening. Participant phenotype was not available at the time of variant classification. Additional details can be found in publication PMID: 35346344, PMCID: PMC8962531

NM_001035.3(RYR2):c.5985A>G (p.Gln1995=)

Gene: RYR2 (ryanodine receptor 2; plus strand). Cytogenetic location: 1q43.
Variant type: single nucleotide variant.
Coding change: c.5985A>G on transcript NM_001035.3 (MANE Select); coding-DNA position 5985, A replaced by G.
Protein change: p.Gln1995=; no amino-acid change (glutamine 1995 retained).
Molecular consequence: synonymous variant.
Genome position (GRCh38, 1-based): chr1:237,623,833, A>G. VCF-style: chr1-237623833-A-G. GRCh37 (hg19) VCF-style: chr1-237787133-A-G.
Identifiers: ClinVar variation 3074878 (VCV003074878.1), dbSNP rs2546859916, ClinGen allele CA423821440.